The following is an entry in ClinVar:

NM_001354604.2(MITF):c.896_897del (p.Thr299fs)

Gene: MITF (melanocyte inducing transcription factor; plus strand). Cytogenetic location: 3p13.
Variant type: Microsatellite.
Coding change: c.896_897del on transcript NM_001354604.2 (MANE Select); coding-DNA positions 896 to 897, 2 bases deleted (CA; older notation c.896_897delCA).
Protein change: p.Thr299fs; shifts the reading frame from threonine 299.
Molecular consequence: frameshift variant. On other transcripts: splice acceptor variant (9).
Genome position (GRCh38, 1-based): chr3:69,951,827-69,951,828, CA deleted; deleting any 2 consecutive bases within chr3:69,951,825-69,951,828 gives the same sequence; the c. name uses the placement nearest the transcript's 3' end. VCF-style (leftmost placement, unchanged base first): chr3-69951824-CCA-C. GRCh37 (hg19) VCF-style: chr3-70000975-CCA-C.
Other names: c.575_576del, p.Thr192fs (NM_000248.4); c.893_894del, p.Thr298fs (NM_001354605.2); c.830-3_830-2del (NM_001354607.2); c.725-3_725-2del (NM_001354608.2, NM_001184967.2); c.881-3_881-2del (NM_198159.3); c.878-3_878-2del (NM_001354606.2, NM_006722.3); c.833-3_833-2del (NM_198177.3); c.560-3_560-2del (NM_198158.3); and 1 more; short protein forms T192fs, T298fs, T299fs.
Identifiers: ClinVar variation 3601257 (VCV003601257.2).
Genomic context (GRCh38, chr3:69,951,824, plus strand): 5'-GCAACTTCAAACAGTTCCAACTTCTAATGACTTCATTCACGTGCACAGCGTGTATTTTTC[CCA>C]CAGAGTCTGAAGCAAGAGCACTGGCCAAAGAGAGGCAGAAAAAGGACAATCACAACCTGA-3'

ClinVar aggregate classification (germline): Pathogenic. Review status: criteria provided, multiple submitters, no conflicts (2 of 4 stars). 2 submissions from 2 submitters: Pathogenic (2). Last evaluated 2025-06-12.

Conditions:
Waardenburg syndrome type 2A (WS2A). Also called: WAARDENBURG SYNDROME WITHOUT DYSTOPIA CANTHORUM. Identifiers: Orphanet 3440, MedGen C1860339, MONDO:0008671, OMIM 193510.
Melanoma, cutaneous malignant, susceptibility to, 8. Also called: Cutaneous malignant melanoma 8; MELANOMA AND RENAL CELL CARCINOMA, SUSCEPTIBILITY TO. Identifiers: Orphanet 293822, MedGen C3152204, MONDO:0013759, OMIM 614456.
Tietz syndrome (TADS). Also called: HYPOPIGMENTATION/DEAFNESS OF TIETZ; TIETZ ALBINISM-DEAFNESS SYNDROME; ALBINISM-DEAFNESS OF TIETZ. Identifiers: Orphanet 42665, MedGen C0391816, MONDO:0007077, OMIM 103500.

Submissions (2):

Labcorp Genetics (formerly Invitae), Labcorp
Classification: Pathogenic for Melanoma, cutaneous malignant, susceptibility to, 8; Waardenburg syndrome type 2A; Tietz syndrome. Last evaluated: 2025-06-12. Review status: criteria provided, single submitter. Criteria: Invitae Variant Classification Sherloc (09022015). Collection method: clinical testing. Allele origin: germline.
Comment: This sequence change creates a premature translational stop signal (p.Thr192Argfs*3) in the MITF gene. It is expected to result in an absent or disrupted protein product. Loss-of-function variants in MITF are known to be pathogenic (PMID: 8659547, 20127975). This variant is not present in population databases (gnomAD no frequency). This variant has not been reported in the literature in individuals affected with MITF-related conditions. For these reasons, this variant has been classified as Pathogenic.

Institute of Rare Diseases, West China Hospital, Sichuan University
Classification: Pathogenic for Waardenburg syndrome type 2A. Last evaluated: 2025-01-09. Review status: criteria provided, single submitter. Criteria: ClinGen HL ACMG Specifications v1. Collection method: research. Allele origin: germline. Affected: yes.
Comment: PVS1;PP4;PM2_Supporting

Literature cited by the submitters: PubMed 8659547 (cited by Labcorp Genetics (formerly Invitae), Labcorp); PubMed 20127975 (cited by Labcorp Genetics (formerly Invitae), Labcorp).